The following is an entry in ClinVar:

NM_002055.5(GFAP):c.934G>A (p.Glu312Lys)

Gene: GFAP (glial fibrillary acidic protein; minus strand). Cytogenetic location: 17q21.31.
Variant type: single nucleotide variant.
Coding change: c.934G>A on transcript NM_002055.5 (MANE Select); coding-DNA position 934, G replaced by A.
Protein change: p.Glu312Lys; replaces glutamic acid 312 with lysine.
Molecular consequence: missense variant.
Genome position (GRCh38, 1-based): chr17:44,911,429, C>T on the plus strand (G>A on the coding strand, the complement: GFAP is on the minus strand). VCF-style: chr17-44911429-C-T. GRCh37 (hg19) VCF-style: chr17-42988797-C-T.
Other names: c.934G>A, p.Glu312Lys (NM_001131019.3, NM_001242376.3, NM_001363846.2); c.934G>A (NM_002055.4); short protein forms E312K.
Identifiers: ClinVar variation 1406033 (VCV001406033.12), dbSNP rs763868966, ClinGen allele CA8608793.

ClinVar aggregate classification (germline): Uncertain significance. Review status: criteria provided, multiple submitters, no conflicts (2 of 4 stars). 6 submissions from 6 submitters: Uncertain significance (6). Last evaluated 2025-10-22.

Conditions:
Alexander disease (ALXDRD). Also called: Alexander's disease. Identifiers: Orphanet 58, MedGen C0270726, MONDO:0008752, OMIM 203450.
GFAP-related disorder. Also called: GFAP-related disorders; GFAP-related condition.

gnomAD v4.1: 18 of 1,610,918 alleles (0.0011%); highest among the groups gnomAD compares: Admixed American, 0.022%; no homozygotes.

Submissions (6):

Labcorp Genetics (formerly Invitae), Labcorp
Classification: Uncertain significance. Last evaluated: 2025-10-22. Review status: criteria provided, single submitter. Criteria: Invitae Variant Classification Sherloc (09022015). Collection method: clinical testing. Allele origin: germline.
Comment: This sequence change replaces glutamic acid, which is acidic and polar, with lysine, which is basic and polar, at codon 312 of the GFAP protein (p.Glu312Lys). This variant is present in population databases (rs763868966, gnomAD 0.03%). This missense change has been observed in individual(s) with clinical features of Alexander disease (PMID: 26719496). ClinVar contains an entry for this variant (Variation ID: 1406033). Invitae Evidence Modeling of protein sequence and biophysical properties (such as structural, functional, and spatial information, amino acid conservation, physicochemical variation, residue mobility, and thermodynamic stability) indicates that this missense variant is expected to disrupt GFAP protein function with a positive predictive value of 95%. In summary, the available evidence is currently insufficient to determine the role of this variant in disease. Therefore, it has been classified as a Variant of Uncertain Significance.

Greenwood Genetic Center Diagnostic Laboratories, Greenwood Genetic Center
Classification: Uncertain significance. Last evaluated: 2025-05-07. Review status: criteria provided, single submitter. Criteria: ACMG Guidelines, 2015. Collection method: clinical testing. Allele origin: germline. Affected: yes.
Comment: PM6, BS2, PP3

Blueprint Genetics
Classification: Uncertain significance. Last evaluated: 2024-04-30. Review status: criteria provided, single submitter. Criteria: ACMG Guidelines, 2015. Collection method: clinical testing. Allele origin: germline.

Women's Health and Genetics/Laboratory Corporation of America, LabCorp
Classification: Uncertain significance. Last evaluated: 2024-04-08. Review status: criteria provided, single submitter. Criteria: LabCorp Variant Classification Summary - May 2015. Collection method: clinical testing. Allele origin: germline.
Comment: Variant summary: GFAP c.934G>A (p.Glu312Lys) results in a conservative amino acid change located in the Intermediate filament, rod domain (IPR039008) of the encoded protein sequence. Four of five in-silico tools predict a damaging effect of the variant on protein function. The variant allele was found at a frequency of 4e-05 in 248618 control chromosomes (gnomAD). c.934G>A has been reported in the literature in an individual affected with Alexander Disease as a de novo variant (Bonthius_2016). These data do not allow any conclusion about variant significance. To our knowledge, no experimental evidence demonstrating an impact on protein function has been reported. The following publication has been ascertained in the context of this evaluation (PMID: 26719496). ClinVar contains an entry for this variant (Variation ID: 1406033). Based on the evidence outlined above, the variant was classified as uncertain significance.

PreventionGenetics, part of Exact Sciences
Classification: Uncertain significance for GFAP-related condition. Last evaluated: 2023-01-10. Review status: criteria provided, single submitter. Criteria: ACMG Guidelines, 2015. Collection method: clinical testing. Allele origin: germline.
Comment: The GFAP c.934G>A variant is predicted to result in the amino acid substitution p.Glu312Lys. This variant was reported as de novo in a single patient with Alexander disease, although information on confirmation of parentage was not presented (Bonthius et al. 2016. PubMed ID: 26719496; Heshmatzad et al 2021. PubMed ID: 34146839). This variant is reported in 0.029% of alleles in individuals of Latino descent in gnomAD, representing 10 heterozygous individuals of unknown but presumably unaffected phenotype. At this time, the clinical significance of this variant is uncertain due to the absence of conclusive functional and genetic evidence.

Department of Pathology and Laboratory Medicine, Sinai Health System
Classification: Uncertain significance for Alexander disease. Last evaluated: 2022-10-14. Review status: criteria provided, single submitter. Criteria: ACMG Guidelines, 2015. Collection method: research. Allele origin: germline.

Literature cited by the submitters: PubMed 26719496 (cited by Labcorp Genetics (formerly Invitae), Labcorp and Women's Health and Genetics/Laboratory Corporation of America, LabCorp).